The following is an entry in ClinVar:

ClinVar aggregate classification (germline): Benign/Likely benign. Review status: criteria provided, multiple submitters, no conflicts (2 of 4 stars). 9 submissions from 9 submitters: Benign (3); Likely benign (5). 1 of the submissions does not count toward it. Last evaluated 2026-05-01.

Conditions:
PCDH15-related disorder. Also called: PCDH15-related disorders; PCDH15-related condition.
Usher syndrome type 1F (USH1F). Also called: USHER SYNDROME, TYPE IF. Identifiers: Orphanet 231169, Orphanet 886, MedGen C1865885, MONDO:0011186, OMIM 602083.
Usher syndrome type 1D (USH1D). Also called: USHER SYNDROME, TYPE ID. Identifiers: Orphanet 231169, Orphanet 886, MedGen C1832845, MONDO:0010984, OMIM 601067.
Autosomal recessive nonsyndromic hearing loss 23. Identifiers: Orphanet 90636, MedGen C1836027, MONDO:0012293, OMIM 609533.

Allele frequency attached by ClinVar (database versions not stated): gnomAD exomes 0.00024 and 0.00052; ExAC 0.00073; 1000 Genomes Project 30x 0.00187; ESP Exome Variant Server 0.00194; 1000 Genomes Project 0.00200; gnomAD 0.00218 and 0.00232; TOPMed 0.00250.
gnomAD v4.1: 705 of 1,612,516 alleles (0.044%); highest among the groups gnomAD compares: African/African-American, 0.84%; 6 homozygotes.

Submissions (9):

CeGaT Center for Human Genetics Tuebingen
Classification: Likely benign. Last evaluated: 2026-05-01. Review status: criteria provided, single submitter. Criteria: CeGaT Center For Human Genetics Tuebingen Variant Classification Criteria Version 2. Collection method: clinical testing. Allele origin: germline. Affected: yes. Observed: 1 variant allele.
Comment: PCDH15: BP4, BP7

Blueprint Genetics
Classification: Likely benign. Last evaluated: 2024-09-04. Review status: criteria provided, single submitter. Criteria: ACMG Guidelines, 2015. Collection method: clinical testing. Allele origin: germline.

Fulgent Genetics
Classification: Likely benign for Usher syndrome type 1D; Usher syndrome type 1F; Autosomal recessive nonsyndromic hearing loss 23. Last evaluated: 2022-04-08. Review status: criteria provided, single submitter. Criteria: ACMG Guidelines, 2015. Collection method: clinical testing. Allele origin: unknown.

Labcorp Genetics (formerly Invitae), Labcorp
Classification: Likely benign. Last evaluated: 2022-02-21. Review status: criteria provided, single submitter. Criteria: Invitae Variant Classification Sherloc (09022015). Collection method: clinical testing. Allele origin: germline.

GeneDx
Classification: Likely benign. Last evaluated: 2020-09-13. Review status: criteria provided, single submitter. Criteria: GeneDx Variant Classification Process June 2021. Collection method: clinical testing. Allele origin: germline. Affected: yes.

Athena Diagnostics
Classification: Benign. Last evaluated: 2018-05-25. Review status: criteria provided, single submitter. Criteria: Athena Diagnostics Criteria. Collection method: clinical testing. Allele origin: germline.

Eurofins Ntd Llc (ga)
Classification: Benign. Last evaluated: 2017-03-27. Review status: criteria provided, single submitter. Criteria: EGL Classification Definitions 2015. Collection method: clinical testing. Allele origin: germline. Observed: 1 variant allele, 1 heterozygote.

Laboratory for Molecular Medicine, Mass General Brigham Personalized Medicine
Classification: Benign. Last evaluated: 2015-07-02. Review status: criteria provided, single submitter. Criteria: LMM Criteria. Collection method: clinical testing. Allele origin: germline. Observed: 2 variant alleles.
Comment: p.Pro1765Pro in Exon 37A of PCDH15: This variant is not expected to have clinica l significance because it does not alter an amino acid residue, is not located w ithin the splice consensus sequence, and has been identified in 0.9% (76/8364) o f African chromosomes by the Exome Aggregation Consortium (ExAC; dbSNP rs145178582).

PreventionGenetics, part of Exact Sciences
Classification: Benign for PCDH15-related condition. Last evaluated: 2024-06-06. Review status: no assertion criteria provided. Collection method: clinical testing. Allele origin: germline. Not counted in ClinVar's aggregate classification.
Comment: This variant is classified as benign based on ACMG/AMP sequence variant interpretation guidelines (Richards et al. 2015 PMID: 25741868, with internal and published modifications).

NM_001384140.1(PCDH15):c.4672-1640A>G

Gene: PCDH15 (protocadherin related 15; minus strand). Cytogenetic location: 10q21.1.
Variant type: single nucleotide variant.
Coding change: c.4672-1640A>G on transcript NM_001384140.1 (MANE Select); 1640 bases into the intron before coding-DNA position 4672, A replaced by G.
Molecular consequence: intron variant. On other transcripts: synonymous variant (2), 3 prime UTR variant (1).
Genome position (GRCh38, 1-based): chr10:53,808,770, T>C on the plus strand (A>G on the coding strand, the complement: PCDH15 is on the minus strand). VCF-style: chr10-53808770-T-C. GRCh37 (hg19) VCF-style: chr10-55568530-T-C.
Other names: c.5295A>G, p.Pro1765= (NM_001142769.4); c.*710A>G (NM_001142770.3); c.5274A>G, p.Pro1758= (NM_001354411.2); c.4477-1640A>G (NM_001354420.2); c.4606-1640A>G (NM_001354429.2); c.4483-1640A>G (NM_001142772.2); c.4498-1640A>G (NM_001142771.2).
Identifiers: ClinVar variation 227000 (VCV000227000.20), dbSNP rs145178582, ClinGen allele CA5504682.
Genomic context (GRCh38, chr10:53,808,770, plus strand): 5'-ACCTTCAGAGTTTGCTCCTGGCGACTTCTTTTGGTTTGCATTCTTGCTTCTGTCATACGC[T>C]GGTACCTGATAGCCCCATGGACCTCCAGACTGACTTTCGCTACTACTGCTACTACTACCT-3'